The following is an entry in ClinVar:

ClinVar aggregate classification (germline): Pathogenic. Review status: criteria provided, multiple submitters, no conflicts (2 of 4 stars). 2 submissions from 2 submitters: Pathogenic (2). Last evaluated 2022-03-31.

Conditions:
Bardet-Biedl syndrome (BBS). Identifiers: Orphanet 110, MedGen C0752166, MONDO:0015229.
Bardet-Biedl syndrome 2 (BBS2). Identifiers: Orphanet 110, MedGen C2936863, MONDO:0014432, OMIM 615981.

Submissions (2):

Victorian Clinical Genetics Services, Murdoch Childrens Research Institute
Classification: Pathogenic for Bardet-Biedl syndrome 2. Last evaluated: 2022-03-31. Review status: criteria provided, single submitter. Criteria: ACMG Guidelines, 2015. Collection method: clinical testing. Allele origin: germline. Inheritance: Autosomal recessive inheritance.
Comment: Based on the classification scheme VCGS_Germline_v1.3.4, this variant is classified as Pathogenic. Following criteria are met: 0102 - Loss of function is a known mechanism of disease in this gene and is associated with Bardet-Biedl syndrome 2 (MIM#615981) and retinitis pigmentosa 74 (MIM#616562). (I) 0106 - This gene is associated with autosomal recessive disease. (I) 0201 - Variant is predicted to cause nonsense-mediated decay (NMD) and loss of protein (premature termination codon is located at least 54 nucleotides upstream of the final exon-exon junction). (SP) 0251 - This variant is heterozygous. (I) 0301 - Variant is absent from gnomAD (both v2 and v3). (SP) 0701 - Other NMD-predicted variants comparable to the one identified in this case have very strong previous evidence for pathogenicity. These variants have been reported many times as pathogenic (DECIPHER). (SP) 0803 - This variant has limited previous evidence of pathogenicity in unrelated individuals. This variant has been classified as likely pathogenic and pathogenic, and observed in two homozygous individuals with Bardet-Biedl syndrome (LOVD, PMID: 20120035, PMID: 24849935). (SP) 0905 - No published segregation evidence has been identified for this variant. (I) 1007 - No published functional evidence has been identified for this variant. (I) Legend: (SP) - Supporting pathogenic, (I) - Information, (SB) - Supporting benign

Labcorp Genetics (formerly Invitae), Labcorp
Classification: Pathogenic for Bardet-Biedl syndrome. Last evaluated: 2020-12-04. Review status: criteria provided, single submitter. Criteria: Invitae Variant Classification Sherloc (09022015). Collection method: clinical testing. Allele origin: germline.
Comment: For these reasons, this variant has been classified as Pathogenic. This variant has been observed in individual(s) with Bardet-Biedl syndrome (PMID: 20120035, 24849935). This variant is not present in population databases (ExAC no frequency). This sequence change creates a premature translational stop signal (p.Val94Serfs*8) in the BBS2 gene. It is expected to result in an absent or disrupted protein product. Loss-of-function variants in BBS2 are known to be pathogenic (PMID: 11285252, 20177705, 24608809, 26518167).

Literature cited by the submitters: PubMed 20120035 (cited by Victorian Clinical Genetics Services, Murdoch Childrens Research Institute and Labcorp Genetics (formerly Invitae), Labcorp); PubMed 24849935 (cited by Victorian Clinical Genetics Services, Murdoch Childrens Research Institute and Labcorp Genetics (formerly Invitae), Labcorp); PubMed 11285252 (cited by Labcorp Genetics (formerly Invitae), Labcorp); PubMed 20177705 (cited by Labcorp Genetics (formerly Invitae), Labcorp); PubMed 24608809 (cited by Labcorp Genetics (formerly Invitae), Labcorp); PubMed 26518167 (cited by Labcorp Genetics (formerly Invitae), Labcorp).

NM_031885.5(BBS2):c.256_278dup (p.Val94fs)

Gene: BBS2 (Bardet-Biedl syndrome 2; minus strand). Cytogenetic location: 16q13.
Variant type: Duplication.
Coding change: c.256_278dup on transcript NM_031885.5 (MANE Select); coding-DNA positions 256 to 278, 23 bases duplicated (GAGCTTGGCTATGATGCCCTTTT).
Protein change: p.Val94fs; shifts the reading frame from valine 94.
Molecular consequence: frameshift variant. On other transcripts: non-coding transcript variant (5).
Genome position (GRCh38, 1-based): chr16:56,514,520-56,514,542, AAAAGGGCATCATAGCCAAGCTC duplicated on the plus strand (GAGCTTGGCTATGATGCCCTTTT on the coding strand, the reverse complement: BBS2 is on the minus strand); duplicating any 23 consecutive bases within chr16:56,514,520-56,514,543 gives the same sequence; the c. name uses the placement nearest the transcript's 3' end. VCF-style (leftmost placement, unchanged base first): chr16-56514519-T-TAAAAGGGCATCATAGCCAAGCTC. GRCh37 (hg19) VCF-style: chr16-56548431-T-TAAAAGGGCATCATAGCCAAGCTC.
Other names: c.256_278dup, p.Val94fs (NM_001377456.1); c.256_278dup (NM_031885.3); short protein forms V94fs.
Identifiers: ClinVar variation 1367251 (VCV001367251.9), dbSNP rs2144193013, ClinGen allele CA2573102941.
Genomic context (GRCh38, chr16:56,514,519, plus strand): 5'-GTAGAACAAATCCGAATTATTGTAGACATCATAAGCCAAAAGATTAGTCTGTGTCCCCAC[T>TAAAAGGGCATCATAGCCAAGCTC]AAAAGGGCATCATAGCCAAGCTCAGGGTTCAATACGCCTGCAGTCAGACAGCTGACTGCC-3'